The following is an entry in ClinVar:

ClinVar aggregate classification (germline): Benign (0 of 4 stars; one submission).

Conditions:
Severely weakened expression of A on erythrocytes.

Submission:

Division of Hematology and Transfusion Medicine, Lund University
Classification: Benign for Severely weakened expression of A on erythrocytes. Last evaluated: 2023-07-12. Review status: no assertion criteria provided. Collection method: clinical testing. Allele origin: somatic. Affected: yes. Observed: 2 variant alleles.
Comment: c.102C>A resulting in p.Tyr34* on the ABO*A1.01 allele.

NM_020469.4(ABO):c.102C>A (p.Tyr34Ter)

Gene: ABO (ABO, alpha 1-3-N-acetylgalactosaminyltransferase and alpha 1-3-galactosyltransferase; minus strand). Cytogenetic location: 9q34.2.
Variant type: single nucleotide variant.
Coding change: c.102C>A on transcript NM_020469.4; coding-DNA position 102, C replaced by A.
Protein change: p.Tyr34Ter; replaces tyrosine 34 with a stop codon.
Molecular consequence: nonsense.
Genome position (GRCh38, 1-based): chr9:133,261,371, G>T on the plus strand (C>A on the coding strand, the complement: ABO is on the minus strand). VCF-style: chr9-133261371-G-T. GRCh37 (hg19) VCF-style: chr9-136136774-G-T.
Other names: short protein forms Y34*.
Identifiers: ClinVar variation 2573151 (VCV002573151.1), dbSNP rs782760415, ClinGen allele CA375687754.
Genomic context (GRCh38, chr9:133,261,371, plus strand): 5'-CACTCACCAGAACCCCCGTTCCAGGCTTCCTGGCATTAGACTTCTGGGGCTTAGGACCCC[G>T]TAACTGCAGAAAGGAAGTGTGCCAAGACTCAGGACACAGAACGAAGACTGCCTGTTGGTC-3'